The following is an entry in ClinVar:

ClinVar aggregate classification (germline): Uncertain significance. Review status: criteria provided, multiple submitters, no conflicts (2 of 4 stars). 8 submissions from 8 submitters: Uncertain significance (8). Last evaluated 2026-01-18.

Conditions:
Familial colorectal cancer. Identifiers: MedGen CN280943, MONDO:0023113. Disease mechanism: loss of function.
POLD1-related polyposis and colorectal cancer syndrome (CRCS10). Also called: Colorectal cancer 10; COLORECTAL CANCER, SUSCEPTIBILITY TO, ON CHROMOSOME 19q; Colorectal cancer, susceptibility to, 10. Identifiers: Orphanet 220460, MedGen C2675481, MONDO:0012953, OMIM 612591.
Mandibular hypoplasia-deafness-progeroid syndrome. Also called: Mandibular hypoplasia, deafness, progeroid features, and lipodystrophy syndrome. Identifiers: Orphanet 363649, MedGen C3715192, MONDO:0014157, OMIM 615381.
Immunodeficiency 120. Identifiers: MedGen C5935622, MONDO:0970994, OMIM 620836.
POLD1-related disorder. Also called: POLD1-related condition; POLD1-related disorders.
Hereditary cancer-predisposing syndrome. Also called: Neoplastic Syndromes, Hereditary; Hereditary neoplastic syndrome; Tumor predisposition; Hereditary Cancer Syndrome. Identifiers: Orphanet 140162, MedGen C0027672, MeSH D009386, MONDO:0015356.

Allele frequency attached by ClinVar (database versions not stated): gnomAD exomes 0.00002; TOPMed 0.00006; gnomAD 0.00008 and 0.00010.
gnomAD v4.1: 36 of 1,565,864 alleles (0.0023%); highest among the groups gnomAD compares: African/African-American, 0.018%; no homozygotes.

Submissions (8):

Labcorp Genetics (formerly Invitae), Labcorp
Classification: Uncertain significance for POLD1-related polyposis and colorectal cancer syndrome. Last evaluated: 2026-01-18. Review status: criteria provided, single submitter. Criteria: Invitae Variant Classification Sherloc (09022015). Collection method: clinical testing. Allele origin: germline.
Comment: This sequence change replaces threonine, which is neutral and polar, with methionine, which is neutral and non-polar, at codon 996 of the POLD1 protein (p.Thr996Met). The frequency data for this variant in the population databases is considered unreliable, as metrics indicate poor data quality at this position in the gnomAD database. This missense change has been observed in individual(s) with breast cancer (PMID: 35264596, 35534704). ClinVar contains an entry for this variant (Variation ID: 422465). Invitae Evidence Modeling of protein sequence and biophysical properties (such as structural, functional, and spatial information, amino acid conservation, physicochemical variation, residue mobility, and thermodynamic stability) indicates that this missense variant is not expected to disrupt POLD1 protein function with a negative predictive value of 80%. In summary, the available evidence is currently insufficient to determine the role of this variant in disease. Therefore, it has been classified as a Variant of Uncertain Significance.

PreventionGenetics, part of Exact Sciences
Classification: Uncertain significance for POLD1-related condition. Last evaluated: 2025-06-19. Review status: criteria provided, single submitter. Criteria: ACMG Guidelines, 2015. Collection method: clinical testing. Allele origin: germline.
Comment: The POLD1 c.2987C>T variant is predicted to result in the amino acid substitution p.Thr996Met. This variant has been identified in an individual with breast cancer and in an individual with a family history of breast cancer (Supp. Table 3, Guindalini et al. 2022. PubMed ID: 35264596; Supp. Table 3, de Oliveira et al. 2022. PubMed ID: 35534704). This variant is reported in 0.011% of alleles in individuals of African descent in gnomAD and is listed in ClinVar as a variant of uncertain significance. At this time, the clinical significance of this variant is uncertain due to the absence of conclusive functional and genetic evidence.

Ambry Genetics
Classification: Uncertain significance for Hereditary cancer-predisposing syndrome. Last evaluated: 2025-01-06. Review status: criteria provided, single submitter. Criteria: Ambry Variant Classification Scheme 2023. Collection method: clinical testing. Allele origin: germline.
Comment: The p.T996M variant (also known as c.2987C>T), located in coding exon 23 of the POLD1 gene, results from a C to T substitution at nucleotide position 2987. The threonine at codon 996 is replaced by methionine, an amino acid with similar properties. This amino acid position is conserved. In addition, this alteration is predicted to be tolerated by in silico analysis. Based on the available evidence, the clinical significance of this variant remains unclear.

GeneDx
Classification: Uncertain significance. Last evaluated: 2024-09-25. Review status: criteria provided, single submitter. Criteria: GeneDx Variant Classification Process June 2021. Collection method: clinical testing. Allele origin: germline. Affected: yes.
Comment: In silico analysis supports that this missense variant has a deleterious effect on protein structure/function; This variant is associated with the following publications: (PMID: 35534704, 35264596)

Fulgent Genetics
Classification: Uncertain significance for POLD1-related polyposis and colorectal cancer syndrome; Mandibular hypoplasia-deafness-progeroid syndrome; Immunodeficiency 120. Last evaluated: 2024-04-25. Review status: criteria provided, single submitter. Criteria: ACMG Guidelines, 2015. Collection method: clinical testing. Allele origin: germline.

Revvity Omics, Revvity
Classification: Uncertain significance for Mandibular hypoplasia-deafness-progeroid syndrome. Last evaluated: 2023-09-13. Review status: criteria provided, single submitter. Criteria: ACMG Guidelines, 2015. Collection method: clinical testing. Allele origin: germline.

Laboratorio de Genetica e Diagnostico Molecular, Hospital Israelita Albert Einstein
Classification: Uncertain significance for Mandibular hypoplasia-deafness-progeroid syndrome. Last evaluated: 2022-06-01. Review status: criteria provided, single submitter. Criteria: ACMG Guidelines, 2015. Collection method: clinical testing. Allele origin: germline. Affected: yes.
Comment: ACMG classification criteria: BP4 supporting

Mendelics
Classification: Uncertain significance for Familial colorectal cancer. Last evaluated: 2018-07-02. Review status: criteria provided, single submitter. Criteria: Mendelics Assertion Criteria 2017. Collection method: clinical testing. Allele origin: unknown.

Literature cited by the submitters: PubMed 35264596 (cited by Labcorp Genetics (formerly Invitae), Labcorp); PubMed 35534704 (cited by Labcorp Genetics (formerly Invitae), Labcorp).

NM_002691.4(POLD1):c.2987C>T (p.Thr996Met)

Gene: POLD1 (DNA polymerase delta 1, catalytic subunit; plus strand). Cytogenetic location: 19q13.33.
Variant type: single nucleotide variant.
Coding change: c.2987C>T on transcript NM_002691.4 (MANE Select); coding-DNA position 2987, C replaced by T.
Protein change: p.Thr996Met; replaces threonine 996 with methionine.
Molecular consequence: missense variant. On other transcripts: non-coding transcript variant (1).
Genome position (GRCh38, 1-based): chr19:50,416,643, C>T. VCF-style: chr19-50416643-C-T. GRCh37 (hg19) VCF-style: chr19-50919900-C-T.
Other names: c.2987C>T, p.Thr996Met (NM_001256849.1); c.3065C>T, p.Thr1022Met (NM_001308632.1); c.2987C>T (NM_002691.2); short protein forms T1022M, T996M.
Identifiers: ClinVar variation 422465 (VCV000422465.22), dbSNP rs918661445, ClinGen allele CA16620903.
Genomic context (GRCh38, chr19:50,416,643, plus strand): 5'-GCCCACCACCTGCCTCCTCTCCTGCAGGGGGGGACCACACGCGCTGCAAGACGGTGCTCA[C>T]GGGCAAGGTGGGCGGCCTCCTGGCCTTCGCCAAACGCCGCAACTGCTGCATTGGCTGCCG-3'
Protein context (NP_002682.2, residues 986-1006): GDHTRCKTVL[Thr996Met]GKVGGLLAFA